The following is an entry in ClinVar:

NM_001165963.4(SCN1A):c.720_740del (p.Ile241_Leu247del)

Gene: SCN1A (sodium voltage-gated channel alpha subunit 1; minus strand). Cytogenetic location: 2q24.3.
Variant type: Deletion.
Coding change: c.720_740del on transcript NM_001165963.4 (MANE Select); coding-DNA positions 720 to 740, 21 bases deleted (GATCCAGTCTGTGAAGAAGCT).
Protein change: p.Ile241_Leu247del.
Molecular consequence: inframe deletion. On other transcripts: non-coding transcript variant (1), 5 prime UTR variant (1).
Genome position (GRCh38, 1-based): chr2:166,051,943-166,051,963, AGCTTCTTCACAGACTGGATC deleted on the plus strand (GATCCAGTCTGTGAAGAAGCT on the coding strand, the reverse complement: SCN1A is on the minus strand); deleting any 21 consecutive bases within chr2:166,051,943-166,051,965 gives the same sequence; the c. name uses the placement nearest the transcript's 3' end. VCF-style (leftmost placement, unchanged base first): chr2-166051942-GAGCTTCTTCACAGACTGGATC-G. GRCh37 (hg19) VCF-style: chr2-166908452-GAGCTTCTTCACAGACTGGATC-G.
Other names: c.720_740del, p.Ile241_Leu247del (NM_006920.6, NM_001165964.3, NM_001202435.3 and 10 more transcripts); c.-1706_-1686del (NM_001353961.2).
Identifiers: ClinVar variation 3382916 (VCV003382916.2).

ClinVar aggregate classification (germline): Uncertain significance (1 of 4 stars; one submission).

Conditions:
Migraine, familial hemiplegic, 3. Identifiers: Orphanet 569, MedGen C1864987, MONDO:0012320, OMIM 609634.
Severe myoclonic epilepsy in infancy (DRVT). Also called: Severe Myoclonic Epilepsy in Infancy (SMEI); SEVERE MYOCLONIC EPILEPSY OF INFANCY; DEVELOPMENTAL AND EPILEPTIC ENCEPHALOPATHY 6A; Dravet syndrome; Epileptic encephalopathy, early infantile, 6 (Dravet syndrome). Identifiers: Orphanet 33069, MedGen C0751122, MONDO:0100135, OMIM 607208.
Generalized epilepsy with febrile seizures plus, type 2 (GEFSP2). Also called: GEFS+, TYPE 2. Identifiers: Orphanet 36387, MedGen C1858673, MONDO:0011461, OMIM 604403.
Developmental and epileptic encephalopathy 6B. Also called: Developmental and epileptic encephalopathy 6B, non-Dravet. Identifiers: MedGen C5543353, MONDO:0030268, OMIM 619317.

Submission:

Juno Genomics, Hangzhou Juno Genomics, Inc
Classification: Uncertain significance for Severe myoclonic epilepsy in infancy; Generalized epilepsy with febrile seizures plus, type 2; Migraine, familial hemiplegic, 3; Developmental and epileptic encephalopathy 6B. Review status: criteria provided, single submitter. Criteria: ACMG Guidelines, 2015. Collection method: clinical testing. Allele origin: germline. Affected: yes.
Comment: Protein length changes due to in-frame deletions/insertions in a non-repeat region or stop-loss variants.;De novo (both maternity and paternity confirmed) in a patient with the disease and no family history.